The following is an entry in ClinVar:

ClinVar aggregate classification (germline): Uncertain significance (1 of 4 stars; one submission).

Submission:

GeneDx
Classification: Uncertain significance. Last evaluated: 2023-06-07. Review status: criteria provided, single submitter. Criteria: GeneDx Variant Classification Process June 2021. Collection method: clinical testing. Allele origin: germline. Affected: yes.
Comment: Not observed at significant frequency in large population cohorts (gnomAD); In silico analysis supports that this missense variant has a deleterious effect on protein structure/function; Has not been previously published as pathogenic or benign to our knowledge

NM_001011658.4(TRAPPC2):c.127C>T (p.His43Tyr)

Genes: OFD1 (OFD1 centriole and centriolar satellite protein; plus strand), TRAPPC2 (trafficking protein particle complex subunit 2; minus strand). Cytogenetic location: Xp22.2.
Variant type: single nucleotide variant.
Coding change: c.127C>T on transcript NM_001011658.4 (MANE Select); coding-DNA position 127, C replaced by T.
Protein change: p.His43Tyr; replaces histidine 43 with tyrosine.
Molecular consequence: missense variant.
Genome position (GRCh38, 1-based): chrX:13,716,645, G>A on the plus strand (C>T on the coding strand, the complement: TRAPPC2 is on the minus strand). VCF-style: chrX-13716645-G-A. GRCh37 (hg19) VCF-style: chrX-13734764-G-A.
Other names: c.229C>T, p.His77Tyr (NM_001128835.3); c.127C>T, p.His43Tyr (NM_014563.6); short protein forms H43Y, H77Y.
Identifiers: ClinVar variation 3252326 (VCV003252326.1), dbSNP rs2518619916.